The following is an entry in ClinVar:

NC_000016.10:g.75556260C>T

Gene: TMEM231 (transmembrane protein 231; minus strand). Cytogenetic location: 16q23.1.
Variant type: single nucleotide variant.
Molecular consequence: synonymous variant (on NM_001077416.2).
Genome position: GRCh38 VCF-style: chr16-75556260-C-T. GRCh37 (hg19) VCF-style: chr16-75590158-C-T.
Other names: p.Arg4=; c.12G>A, p.Arg4= (NM_001077416.2).
Identifiers: ClinVar variation 516234 (VCV000516234.14), dbSNP rs115739052, ClinGen allele CA283891088.

ClinVar aggregate classification (germline): Benign/Likely benign. Review status: criteria provided, multiple submitters, no conflicts (2 of 4 stars). 4 submissions from 4 submitters: Benign (2); Likely benign (2). Last evaluated 2026-02-01.

Conditions:
Joubert syndrome 20 (JBTS20). Identifiers: Orphanet 475, MedGen C3554235, MONDO:0013994, OMIM 614970.
Meckel syndrome, type 11 (MKS11). Identifiers: Orphanet 564, MedGen C3809352, MONDO:0014164, OMIM 615397.

Allele frequency attached by ClinVar (database versions not stated): gnomAD 0.01305 and 0.01233; 1000 Genomes Project 30x 0.01608; 1000 Genomes Project 0.01438; TOPMed 0.01348.
gnomAD v4.1: 3,180 of 1,382,836 alleles (0.23%); highest among the groups gnomAD compares: African/African-American, 4.2%; 70 homozygotes.

Submissions (4):

Labcorp Genetics (formerly Invitae), Labcorp
Classification: Likely benign for Joubert syndrome 20; Meckel syndrome, type 11. Last evaluated: 2026-02-01. Review status: criteria provided, single submitter. Criteria: Invitae Variant Classification Sherloc (09022015). Collection method: clinical testing. Allele origin: germline.

Mayo Clinic Laboratories, Mayo Clinic
Classification: Benign. Last evaluated: 2025-02-20. Review status: criteria provided, single submitter. Criteria: ACMG Guidelines, 2015. Collection method: clinical testing. Allele origin: germline. Observed: 1 variant allele.
Comment: BS1, BS2, BP4, BP7

GeneDx
Classification: Benign. Last evaluated: 2017-02-06. Review status: criteria provided, single submitter. Criteria: GeneDx Variant Classification (06012015). Collection method: clinical testing. Allele origin: germline. Affected: yes.
Comment: This variant is considered likely benign or benign based on one or more of the following criteria: it is a conservative change, it occurs at a poorly conserved position in the protein, it is predicted to be benign by multiple in silico algorithms, and/or has population frequency not consistent with disease.

Breakthrough Genomics
Classification: Likely benign. Review status: criteria provided, single submitter. Criteria: ACMG Guidelines, 2015. Collection method: not provided. Allele origin: germline. Inheritance: Autosomal recessive inheritance. Affected: yes.